The following is an entry in ClinVar:

ClinVar aggregate classification (germline): Pathogenic. Review status: reviewed by expert panel (3 of 4 stars). 4 submissions from 4 submitters: Pathogenic (1). 3 of the submissions do not count toward it. Last evaluated 2022-12-01.

Conditions:
Marfan syndrome (MFS). Also called: Marfan syndrome type 1; Marfan syndrome, classic; Marfan's syndrome; FBN1-Related Marfan Syndrome; MARFAN SYNDROME, TYPE I. Identifiers: Orphanet 284963, Orphanet 558, MedGen C0024796, MONDO:0007947, OMIM 154700.
Familial thoracic aortic aneurysm and aortic dissection (TAAD). Also called: Thoracic aortic aneurysms and dissections. Identifiers: Orphanet 91387, MedGen C4707243, MONDO:0019625.

Submissions (4):

ClinGen FBN1 Variant Curation Expert Panel, ClinGen
Classification: Pathogenic for Marfan syndrome. Last evaluated: 2022-12-01. Review status: reviewed by expert panel. Criteria: Assertion Criteria VCEP FBN1 Version 1. Collection method: curation. Allele origin: germline. Inheritance: Autosomal dominant inheritance.
Comment: The NM_000138 c.7204+1G>T variant in FBN1 is a splice site variant predicted to affect a donor splice site in intron 57 of the gene. It is expected to disrupt RNA splicing and likely results in an absent or disrupted protein product (PVS1). This variant was found in a proband with aortic root dilatation and a systemic score of 7 or above which is a highly specific phenotype for Marfan syndrome (PP4). The variant segregates with the disease in 4 family members (PP1_moderate). This variant has been reported 2 times in ClinVar as pathogenic/ likely pathogenic (Variation ID: 549394). At least 3 other probands with Marfan syndrome carry an alternative nucleotide change at this position (PMID: 30101859, PMID: 29357934, PMID: 19293843). This variant is not present in gnomAD v2.1.1 (PM2_sup; version 2.1.1). This variant was identified as de novo in one patient (PM6; Invitae data in ClinVar). In summary, this variant meets criteria to be classified as pathogenic for Marfan syndrome based on the ACMG/AMP criteria applied, as specified by the ClinGen FBN1 VCEP: PVS1, PP1_moderate, PM6, PM2_supporting, PP4

Centre of Medical Genetics, University of Antwerp
Classification: Likely pathogenic for Marfan syndrome. Last evaluated: 2021-03-01. Review status: criteria provided, single submitter. Criteria: Submitter's publication. Collection method: research. Allele origin: unknown. Affected: yes. Not counted in ClinVar's aggregate classification.
Comment: PM2, PS7, PP4

Labcorp Genetics (formerly Invitae), Labcorp
Classification: Pathogenic for Marfan syndrome; Familial thoracic aortic aneurysm and aortic dissection. Last evaluated: 2020-11-02. Review status: criteria provided, single submitter. Criteria: Invitae Variant Classification Sherloc (09022015). Collection method: clinical testing. Allele origin: germline. Not counted in ClinVar's aggregate classification.
Comment: For these reasons, this variant has been classified as Pathogenic. Donor and acceptor splice site variants typically lead to a loss of protein function (PMID: 16199547), and loss-of-function variants in FBN1 are known to be pathogenic (PMID: 17657824, 19293843). Algorithms developed to predict the effect of sequence changes on RNA splicing suggest that this variant may disrupt the consensus splice site, but this prediction has not been confirmed by published transcriptional studies. Disruption of this splice site has been observed in individual(s) with clinical features of Marfan syndrome (PMID: 29357934, 30101859, 19293843). ClinVar contains an entry for this variant (Variation ID: 549394). This variant is not present in population databases (ExAC no frequency). This sequence change affects a donor splice site in intron 58 of the FBN1 gene. It is expected to disrupt RNA splicing and likely results in an absent or disrupted protein product.

Center for Medical Genetics Ghent, University of Ghent
Classification: Likely pathogenic for Marfan syndrome. Last evaluated: 2017-11-07. Review status: no assertion criteria provided. Collection method: clinical testing. Allele origin: germline. Affected: yes. Not counted in ClinVar's aggregate classification.

Literature cited by the submitters: PubMed 16199547 (cited by Labcorp Genetics (formerly Invitae), Labcorp); PubMed 17657824 (cited by Labcorp Genetics (formerly Invitae), Labcorp); PubMed 19293843 (cited by Labcorp Genetics (formerly Invitae), Labcorp); PubMed 29357934 (cited by Labcorp Genetics (formerly Invitae), Labcorp); PubMed 30101859 (cited by Labcorp Genetics (formerly Invitae), Labcorp).

NM_000138.5(FBN1):c.7204+1G>T

Gene: FBN1 (fibrillin 1; minus strand). Cytogenetic location: 15q21.1.
Variant type: single nucleotide variant.
Coding change: c.7204+1G>T on transcript NM_000138.5 (MANE Select); the canonical splice donor site of the intron after coding-DNA position 7204, G replaced by T.
Molecular consequence: splice donor variant.
Genome position (GRCh38, 1-based): chr15:48,427,566, C>A on the plus strand (G>T on the coding strand, the complement: FBN1 is on the minus strand). VCF-style: chr15-48427566-C-A. GRCh37 (hg19) VCF-style: chr15-48719763-C-A.
Other names: NM_000138.4(FBN1):c.7204+1G>T; c.7204+1G>T (NM_001406716.1).
Identifiers: ClinVar variation 549394 (VCV000549394.30), dbSNP rs1555394557, ClinGen allele CA392329016.